The following is an entry in ClinVar:

NM_002602.4(PDE6G):c.*274C>T

Gene: PDE6G (phosphodiesterase 6G; minus strand). Cytogenetic location: 17q25.3.
Variant type: single nucleotide variant.
Coding change: c.*274C>T on transcript NM_002602.4 (MANE Select); 274 bases downstream of the stop codon, C replaced by T.
Molecular consequence: 3 prime UTR variant. On other transcripts: non-coding transcript variant (2).
Genome position (GRCh38, 1-based): chr17:81,650,800, G>A on the plus strand (C>T on the coding strand, the complement: PDE6G is on the minus strand). VCF-style: chr17-81650800-G-A. GRCh37 (hg19) VCF-style: chr17-79617830-G-A.
Other names: c.*274C>T (NM_001365724.1, NM_001365725.1).
Identifiers: ClinVar variation 325857 (VCV000325857.6), dbSNP rs1126818, ClinGen allele CA8838937.

ClinVar aggregate classification (germline): Benign. Review status: criteria provided, multiple submitters, no conflicts (2 of 4 stars). 2 submissions from 2 submitters: Benign (2). Last evaluated 2018-01-13.

Conditions:
Retinitis pigmentosa (RP). Identifiers: Orphanet 791, MedGen C0035334, MeSH D012174, MONDO:0019200, OMIM 268000. Inheritance: Autosomal dominant, autosomal recessive and X linked inheritance.

Allele frequency attached by ClinVar (database versions not stated): 1000 Genomes Project 30x 0.06855; 1000 Genomes Project 0.07009; gnomAD exomes 0.09993; ExAC 0.10024; TOPMed 0.10348; gnomAD 0.10618 and 0.10851.

Submissions (2):

Illumina Laboratory Services, Illumina
Classification: Benign for Retinitis pigmentosa. Last evaluated: 2018-01-13. Review status: criteria provided, single submitter. Criteria: ICSL Variant Classification Criteria 13 December 2019. Collection method: clinical testing. Allele origin: germline.
Comment: This variant was observed in the ICSL laboratory as part of a predisposition screen in an ostensibly healthy population. It had not been previously curated by ICSL or reported in the Human Gene Mutation Database (HGMD: prior to June 1st, 2018), and was therefore a candidate for classification through an automated scoring system. Utilizing variant allele frequency, disease prevalence and penetrance estimates, and inheritance mode, an automated score was calculated to assess if this variant is too frequent to cause the disease. Based on the score and internal cut-off values, a variant classified as benign is not then subjected to further curation. The score for this variant resulted in a classification of benign for this disease.

Breakthrough Genomics
Classification: Benign. Review status: criteria provided, single submitter. Criteria: ACMG Guidelines, 2015. Collection method: not provided. Allele origin: germline. Inheritance: Autosomal recessive inheritance. Affected: yes.